The following is an entry in ClinVar:

ClinVar aggregate classification (germline): Uncertain significance (1 of 4 stars; one submission).

Conditions:
Inborn genetic diseases. Identifiers: MedGen C0950123, MeSH D030342.

Submission:

Ambry Genetics
Classification: Uncertain significance for Inborn genetic diseases. Last evaluated: 2025-11-09. Review status: criteria provided, single submitter. Criteria: Ambry Variant Classification Scheme 2023. Collection method: clinical testing. Allele origin: germline.
Comment: The p.H168R variant (also known as c.503A>G), located in coding exon 6 of the DDX41 gene, results from an A to G substitution at nucleotide position 503. The histidine at codon 168 is replaced by arginine, an amino acid with highly similar properties. This amino acid position is conserved. In addition, this alteration is predicted to be tolerated by in silico analysis. Based on the available evidence, the clinical significance of this variant remains unclear.

NM_016222.4(DDX41):c.503A>G (p.His168Arg)

Gene: DDX41 (DEAD-box helicase 41; minus strand). Cytogenetic location: 5q35.3.
Variant type: single nucleotide variant.
Coding change: c.503A>G on transcript NM_016222.4 (MANE Select); coding-DNA position 503, A replaced by G.
Protein change: p.His168Arg; replaces histidine 168 with arginine.
Molecular consequence: missense variant.
Genome position (GRCh38, 1-based): chr5:177,515,753, T>C on the plus strand (A>G on the coding strand, the complement: DDX41 is on the minus strand). VCF-style: chr5-177515753-T-C. GRCh37 (hg19) VCF-style: chr5-176942754-T-C.
Other names: c.125A>G, p.His42Arg (NM_001321732.2, NM_001321830.2); short protein forms H168R, H42R.
Identifiers: ClinVar variation 4617185 (VCV004617185.1).